The following is an entry in ClinVar:

ClinVar aggregate classification (germline): Conflicting classifications of pathogenicity. Review status: criteria provided, conflicting classifications (1 of 4 stars). 5 submissions from 5 submitters: Uncertain significance (2); Likely benign (3). Last evaluated 2025-01-14.

Conditions:
Early-infantile DEE. Also called: Early infantile epileptic encephalopathy with suppression bursts; Early infantile epileptic encephalopathy; Ohtahara syndrome. Identifiers: Orphanet 1934, MedGen C0393706, MONDO:0800491.
Early Myoclonic Encephalopathy. Identifiers: MedGen C0270855.

Allele frequency attached by ClinVar (database versions not stated): gnomAD 0.00003 and 0.00004; TOPMed 0.00003; ExAC 0.00004; gnomAD exomes 0.00008.

Submissions (5):

Labcorp Genetics (formerly Invitae), Labcorp
Classification: Likely benign for Early-infantile DEE. Last evaluated: 2025-01-14. Review status: criteria provided, single submitter. Criteria: Invitae Variant Classification Sherloc (09022015). Collection method: clinical testing. Allele origin: germline.

CeGaT Center for Human Genetics Tuebingen
Classification: Likely benign. Last evaluated: 2023-12-01. Review status: criteria provided, single submitter. Criteria: CeGaT Center For Human Genetics Tuebingen Variant Classification Criteria Version 2. Collection method: clinical testing. Allele origin: germline. Affected: yes. Observed: 1 variant allele.
Comment: SLC25A22: BP4, BP7

Illumina Laboratory Services, Illumina
Classification: Uncertain significance for Developmental and epileptic encephalopathy, 3. Last evaluated: 2018-01-15. Review status: criteria provided, single submitter. Criteria: ICSL Variant Classification Criteria 13 December 2019. Collection method: clinical testing. Allele origin: germline.

GeneDx
Classification: Likely benign. Last evaluated: 2017-10-05. Review status: criteria provided, single submitter. Criteria: GeneDx Variant Classification (06012015). Collection method: clinical testing. Allele origin: germline. Affected: yes.
Comment: This variant is considered likely benign or benign based on one or more of the following criteria: it is a conservative change, it occurs at a poorly conserved position in the protein, it is predicted to be benign by multiple in silico algorithms, and/or has population frequency not consistent with disease.

Eurofins Ntd Llc (ga)
Classification: Uncertain significance. Last evaluated: 2015-12-03. Review status: criteria provided, single submitter. Criteria: EGL Classification Definitions 2015. Collection method: clinical testing. Allele origin: germline. Observed: 1 variant allele, 1 heterozygote.

NM_001191061.2(SLC25A22):c.726C>T (p.Ala242=)

Gene: SLC25A22 (solute carrier family 25 member 22; minus strand). Cytogenetic location: 11p15.5.
Variant type: single nucleotide variant.
Coding change: c.726C>T on transcript NM_001191061.2 (MANE Select); coding-DNA position 726, C replaced by T.
Protein change: p.Ala242=; no amino-acid change (alanine 242 retained).
Molecular consequence: synonymous variant.
Genome position (GRCh38, 1-based): chr11:792,320, G>A on the plus strand (C>T on the coding strand, the complement: SLC25A22 is on the minus strand). VCF-style: chr11-792320-G-A. GRCh37 (hg19) VCF-style: chr11-792320-G-A.
Other names: c.726C>T, p.Ala242= (NM_001191060.2, NM_024698.6).
Identifiers: ClinVar variation 284896 (VCV000284896.35), dbSNP rs771026197, ClinGen allele CA5789087.